The following is an entry in ClinVar:

ClinVar aggregate classification (germline): Likely pathogenic (1 of 4 stars; one submission).

Conditions:
Autosomal recessive limb-girdle muscular dystrophy type 2J (LGMDR10). Also called: Limb-girdle muscular dystrophy, type 2J; MUSCULAR DYSTROPHY, LIMB-GIRDLE, AUTOSOMAL RECESSIVE 10. Identifiers: Orphanet 140922, MedGen C1837342, MONDO:0012127, OMIM 608807.
Dilated cardiomyopathy 1G (CMD1G). Identifiers: Orphanet 154, MedGen C1858763, MONDO:0011400, OMIM 604145.

Submission:

Labcorp Genetics (formerly Invitae), Labcorp
Classification: Likely pathogenic for Dilated cardiomyopathy 1G; Autosomal recessive limb-girdle muscular dystrophy type 2J. Last evaluated: 2025-11-24. Review status: criteria provided, single submitter. Criteria: Invitae Variant Classification Sherloc (09022015). Collection method: clinical testing. Allele origin: germline.
Comment: This sequence change creates a premature translational stop signal (p.Gly32052Alafs*19) in the TTN gene. While this is not anticipated to result in nonsense mediated decay, it is expected to create a truncated TTN protein. This variant is not present in population databases (gnomAD no frequency). This variant has not been reported in the literature in individuals affected with TTN-related conditions. This variant is located in the A band of TTN (PMID: 25589632). Truncating variants in this region are significantly overrepresented in patients affected with dilated cardiomyopathy (PMID: 25589632). Truncating variants in this region have also been reported in individuals affected with autosomal recessive centronuclear myopathy (PMID: 23975875). In summary, the currently available evidence indicates that the variant is pathogenic, but additional data are needed to prove that conclusively. Therefore, this variant has been classified as Likely Pathogenic.

Literature cited by the submitters: PubMed 25589632; PubMed 23975875.

NM_001267550.2(TTN):c.96155del (p.Gly32052fs)

Genes: TTN-AS1 (TTN antisense RNA 1; plus strand), TTN (titin; minus strand), LOC126806421 (CDK7 strongly-dependent group 2 enhancer GRCh37_chr2:179407630-179408829; plus strand). Cytogenetic location: 2q31.2.
Variant type: Deletion.
Coding change: c.96155del on transcript NM_001267550.2 (MANE Select); coding-DNA position 96155, one base deleted (G; older notation c.96155delG).
Protein change: p.Gly32052fs; shifts the reading frame from glycine 32052.
Molecular consequence: frameshift variant.
Genome position (GRCh38, 1-based): chr2:178,543,989, C deleted on the plus strand (G on the coding strand, the reverse complement: TTN is on the minus strand); the first of 3 consecutive C bases (chr2:178,543,989-178,543,991); deleting any one gives the same sequence. VCF-style (leftmost placement, unchanged base first): chr2-178543988-GC-G. GRCh37 (hg19) VCF-style: chr2-179408715-GC-G.
Other names: c.91232del, p.Gly30411fs (NM_001256850.1); c.68960del, p.Gly22987fs (NM_003319.4); c.88451del, p.Gly29484fs (NM_133378.4); c.69335del, p.Gly23112fs (NM_133432.3); c.69536del, p.Gly23179fs (NM_133437.4); short protein forms G23179fs, G22987fs, G23112fs, G29484fs, G30411fs, G32052fs.
Identifiers: ClinVar variation 4785947 (VCV004785947.1).